The following is an entry in ClinVar:

NM_001110219.3(GJB6):c.263C>T (p.Ala88Val)

Gene: GJB6 (gap junction protein beta 6; minus strand). Cytogenetic location: 13q12.11.
Variant type: single nucleotide variant.
Coding change: c.263C>T on transcript NM_001110219.3 (MANE Select); coding-DNA position 263, C replaced by T.
Protein change: p.Ala88Val; replaces alanine 88 with valine.
Molecular consequence: missense variant.
Genome position (GRCh38, 1-based): chr13:20,223,218, G>A on the plus strand (C>T on the coding strand, the complement: GJB6 is on the minus strand). VCF-style: chr13-20223218-G-A. GRCh37 (hg19) VCF-style: chr13-20797357-G-A.
Other names: c.263C>T, p.Ala88Val (NM_001110220.3, NM_001110221.3, NM_001370090.1 and 3 more transcripts); short protein forms A88V.
Identifiers: ClinVar variation 5545 (VCV000005545.13), dbSNP rs28937872, ClinGen allele CA253528.
Genomic context (GRCh38, chr13:20,223,218, plus strand): 5'-CGCCTGAACTTGCGAGTGGTTTCGTGCCTGTAGTAGGCCACATGCATGGCCACCAGCAGC[G>A]CTGGGGTGGAGACGAAGATCAGCTGGAGGGCCCACAGCCGGATGTGGGACACCGGGAAAA-3'
Protein context (NP_001103689.1, residues 78-98): ALQLIFVSTP[Ala88Val]LLVAMHVAYY

ClinVar aggregate classification (germline): Pathogenic. Review status: criteria provided, multiple submitters, no conflicts (2 of 4 stars). 4 submissions from 4 submitters: Pathogenic (3). 1 of the submissions does not count toward it. Last evaluated 2025-10-14.

Conditions:
Autosomal recessive nonsyndromic hearing loss 1A (DFNB1A). Also called: Nonsyndromic Hearing Loss and Deafness, DFNB1; Connexin 26 deafness; Deafness nonsyndromic, Connexin 26 linked; GJB2-Related Autosomal Recessive Nonsyndromic Hearing Loss; Deafness, autosomal recessive 1A; GJB6-Related DFNB 1 Nonsyndromic Hearing Loss and Deafness. Identifiers: Orphanet 90636, MedGen C2673759, MONDO:0009076, OMIM 220290.
Autosomal dominant nonsyndromic hearing loss 3B. Identifiers: Orphanet 90635, MedGen C2675237, MONDO:0012975, OMIM 612643.
Hidrotic ectodermal dysplasia syndrome (GJB6). Also called: CLOUSTON HIDROTIC ECTODERMAL DYSPLASIA; Ectodermal dysplasia 2, hidrotic; Autosomal dominant hidrotic ectodermal dysplasia; Clouston syndrome; Clouston's hidrotic ectodermal dysplasia; ECTODERMAL DYSPLASIA 2, CLOUSTON TYPE. Identifiers: Orphanet 189, MedGen C0162361, MONDO:0007510, OMIM 129500.
X-linked mixed hearing loss with perilymphatic gusher. Also called: Gusher syndrome; Deafness, X-linked 2; PERILYMPHATIC GUSHER-DEAFNESS SYNDROME; SENSORINEURAL DEAFNESS, PROFOUND, WITH OR WITHOUT A CONDUCTIVE COMPONENT, ASSOCIATED WITH A UNIQUE DEVELOPMENTAL ABNORMALITY OF THE EAR; NANCE DEAFNESS. Identifiers: Orphanet 383, MedGen C1844678, MONDO:0010576, OMIM 304400.
Autosomal recessive nonsyndromic hearing loss 1B. Also called: DEAFNESS, AUTOSOMAL RECESSIVE 1B. Identifiers: Orphanet 90636, MedGen C2675235, MONDO:0012977, OMIM 612645.

Submissions (4):

Labcorp Genetics (formerly Invitae), Labcorp
Classification: Pathogenic for Autosomal dominant nonsyndromic hearing loss 3B; Hidrotic ectodermal dysplasia syndrome; Autosomal recessive nonsyndromic hearing loss 1B; Autosomal recessive nonsyndromic hearing loss 1A. Last evaluated: 2025-10-14. Review status: criteria provided, single submitter. Criteria: Invitae Variant Classification Sherloc (09022015). Collection method: clinical testing. Allele origin: germline.
Comment: This sequence change replaces alanine, which is neutral and non-polar, with valine, which is neutral and non-polar, at codon 88 of the GJB6 protein (p.Ala88Val). This variant is not present in population databases (gnomAD no frequency). This missense change has been observed in individuals with hidrotic ectodermal dysplasia (also known as Clouston syndrome) (PMID: 11017065, 14708603, 23863883, 27137747). It has also been observed to segregate with disease in related individuals. ClinVar contains an entry for this variant (Variation ID: 5545). Invitae Evidence Modeling of protein sequence and biophysical properties (such as structural, functional, and spatial information, amino acid conservation, physicochemical variation, residue mobility, and thermodynamic stability) indicates that this missense variant is not expected to disrupt GJB6 protein function with a negative predictive value of 80%. Experimental studies are conflicting or provide insufficient evidence to determine the effect of this variant on GJB6 function (PMID: 12419304, 15213106, 24522190, 24685692). For these reasons, this variant has been classified as Pathogenic.

Fulgent Genetics
Classification: Pathogenic for Hidrotic ectodermal dysplasia syndrome; Autosomal recessive nonsyndromic hearing loss 1A; X-linked mixed hearing loss with perilymphatic gusher; Autosomal dominant nonsyndromic hearing loss 3B; Autosomal recessive nonsyndromic hearing loss 1B. Last evaluated: 2022-01-14. Review status: criteria provided, single submitter. Criteria: ACMG Guidelines, 2015. Collection method: clinical testing. Allele origin: unknown.

3billion
Classification: Pathogenic for Hidrotic ectodermal dysplasia syndrome. Review status: criteria provided, single submitter. Criteria: ACMG Guidelines, 2015. Collection method: clinical testing. Allele origin: unknown. Affected: yes. Observed: 1 heterozygote.
Comment: The variant is not observed in the gnomAD v2.1.1 dataset.In silico tool predictions suggest damaging effect of the variant on gene or gene product (REVEL: 0.92). Same nucleotide change resulting in same amino acid change has been previously reported as pathogenic/likely pathogenic with strong evidence (ClinVar ID: VCV000005545 / PMID: 11017065). The variant has been observed in multiple (>3) similarly affected unrelated individuals (PMID: 10730756, 11017065, 14708603, 17160938, 24052723, 30620052). Therefore, this variant is classified as Pathogenic according to the recommendation of ACMG/AMP guideline.

OMIM
Classification: Pathogenic for ECTODERMAL DYSPLASIA, HIDROTIC. Last evaluated: 2000-10-01. Review status: no assertion criteria provided. Collection method: literature only. Allele origin: germline. Not counted in ClinVar's aggregate classification.

Literature cited by the submitters: PubMed 11017065 (cited by 3 submitters); PubMed 14708603 (cited by Labcorp Genetics (formerly Invitae), Labcorp and 3billion); PubMed 23863883 (cited by Labcorp Genetics (formerly Invitae), Labcorp); PubMed 27137747 (cited by Labcorp Genetics (formerly Invitae), Labcorp); PubMed 12419304 (cited by Labcorp Genetics (formerly Invitae), Labcorp); PubMed 15213106 (cited by Labcorp Genetics (formerly Invitae), Labcorp); PubMed 24522190 (cited by Labcorp Genetics (formerly Invitae), Labcorp); PubMed 24685692 (cited by Labcorp Genetics (formerly Invitae), Labcorp); PubMed 30620052 (cited by 3billion); PubMed 17160938 (cited by 3billion); PubMed 24052723 (cited by 3billion); PubMed 10730756 (cited by 3billion).